The following is an entry in ClinVar:

NM_006767.4(LZTR1):c.1500del (p.Ala501fs)

Gene: LZTR1 (leucine zipper like post translational regulator 1; plus strand). Cytogenetic location: 22q11.21.
Variant type: Deletion.
Coding change: c.1500del on transcript NM_006767.4 (MANE Select); coding-DNA position 1500, one base deleted (T; older notation c.1500delT).
Protein change: p.Ala501fs; shifts the reading frame from alanine 501.
Molecular consequence: frameshift variant.
Genome position (GRCh38, 1-based): chr22:20,994,154, T deleted. VCF-style (leftmost placement, unchanged base first): chr22-20994153-CT-C. GRCh37 (hg19) VCF-style: chr22-21348442-CT-C.
Other names: short protein forms A501fs.
Identifiers: ClinVar variation 3602582 (VCV003602582.1).

ClinVar aggregate classification (germline): Likely pathogenic (1 of 4 stars; one submission).

Conditions:
Noonan syndrome 2 (NS2). Identifiers: Orphanet 648, MedGen C1854469, MONDO:0011531, OMIM 605275.

Submission:

Clinical Genomics Laboratory, Washington University in St. Louis
Classification: Likely pathogenic for Noonan syndrome 2. Last evaluated: 2024-01-03. Review status: criteria provided, single submitter. Criteria: ACMG Guidelines, 2015. Collection method: clinical testing. Allele origin: germline. Affected: yes.
Comment: The LZTR1 c.1500del (p.Ala501LeufsTer55) variant, to our knowledge, has not been reported in the medical literature and is absent from the general population (gnomAD v.2.1.1), indicating it is not a common variant. This variant causes a frameshift by deleting a single nucleotide leading to a premature termination codon, which is predicted to lead to nonsense mediated decay. Additionally, other variants in this region that induce a premature termination codon have been described in affected individuals and are considered pathogenic (Pagnamenta AT et al., PMID: 30859559). Based on available information and the ACMG/AMP guidelines for variant interpretation (Richards S et al., PMID: 25741868), this variant is classified as likely pathogenic for autosomal recessive Noonan syndrome.